The following is an entry in ClinVar:

ClinVar aggregate classification (germline): Uncertain significance (1 of 4 stars; one submission).

Conditions:
Inborn genetic diseases. Identifiers: MedGen C0950123, MeSH D030342.

Submission:

Ambry Genetics
Classification: Uncertain significance for Inborn genetic diseases. Last evaluated: 2023-12-29. Review status: criteria provided, single submitter. Criteria: Ambry Variant Classification Scheme 2023. Collection method: clinical testing. Allele origin: germline.
Comment: The p.G47R variant (also known as c.139G>A), located in coding exon 1 of the ACD gene, results from a G to A substitution at nucleotide position 139. The glycine at codon 47 is replaced by arginine, an amino acid with dissimilar properties. This amino acid position is conserved. In addition, this alteration is predicted to be tolerated by in silico analysis. Since supporting evidence is limited at this time, the clinical significance of this alteration remains unclear.

NM_001082486.1(ACD):c.139G>A (p.Gly47Arg)

Genes: ACD (ACD shelterin complex subunit and telomerase recruitment factor; minus strand), LOC130059224 (ATAC-STARR-seq lymphoblastoid silent region 7617; plus strand). Cytogenetic location: 16q22.1.
Variant type: single nucleotide variant.
Coding change: c.139G>A on transcript NM_001082486.1; coding-DNA position 139, G replaced by A.
Protein change: p.Gly47Arg; replaces glycine 47 with arginine.
Genome position (GRCh38, 1-based): chr16:67,660,340, C>T on the plus strand (G>A on the coding strand, the complement: ACD is on the minus strand). VCF-style: chr16-67660340-C-T. GRCh37 (hg19) VCF-style: chr16-67694243-C-T.
Other names: short protein forms G47R.
Identifiers: ClinVar variation 3232644 (VCV003232644.1), dbSNP rs2543612687, ClinGen allele CA396359628.